The following is an entry in ClinVar:

NM_000038.6(APC):c.5858del (p.Asn1953fs)

Gene: APC (APC regulator of Wnt signaling pathway; plus strand). Cytogenetic location: 5q22.2.
Variant type: Deletion.
Coding change: c.5858del on transcript NM_000038.6 (MANE Select); coding-DNA position 5858, one base deleted (A; older notation c.5858delA).
Protein change: p.Asn1953fs; shifts the reading frame from asparagine 1953.
Molecular consequence: frameshift variant. On other transcripts: non-coding transcript variant (2).
Genome position (GRCh38, 1-based): chr5:112,841,452, A deleted; the last of 2 consecutive A bases (chr5:112,841,451-112,841,452); deleting either gives the same sequence. VCF-style (leftmost placement, unchanged base first): chr5-112841450-GA-G. GRCh37 (hg19) VCF-style: chr5-112177147-GA-G.
Other names: c.5609del, p.Asn1870fs (NM_001407456.1, NM_001407457.1, NM_001407454.1 and 1 more transcripts); c.5555del, p.Asn1852fs (NM_001407458.1, NM_001407459.1, NM_001407460.1 and 1 more transcripts); c.5471del, p.Asn1824fs (NM_001407467.1, NM_001407469.1); c.5009del, p.Asn1670fs (NM_001407470.1, NM_001354906.2); c.4706del, p.Asn1569fs (NM_001407471.1, NM_001407472.1); c.5858del, p.Asn1953fs (NM_001127510.3, NM_001354895.2, NM_001407450.1); c.5804del, p.Asn1935fs (NM_001127511.3); c.5912del, p.Asn1971fs (NM_001354896.2, NM_001407447.1, NM_001407448.1 and 1 more transcripts); and 11 more; short protein forms N1793fs, N1827fs, N1852fs, N1963fs, N1670fs, N1912fs, N1946fs, N1981fs.
Identifiers: ClinVar variation 2718747 (VCV002718747.3), dbSNP rs2533672648, ClinGen allele CA2697546372.

ClinVar aggregate classification (germline): Pathogenic (1 of 4 stars; one submission).

Conditions:
Familial adenomatous polyposis 1 (FAP1). Also called: FAMILIAL ADENOMATOUS POLYPOSIS 1, ATTENUATED; POLYPOSIS, ADENOMATOUS INTESTINAL. Identifiers: MedGen C2713442, MONDO:0021056, OMIM 175100. Disease mechanism: loss of function.

Submission:

Labcorp Genetics (formerly Invitae), Labcorp
Classification: Pathogenic for Familial adenomatous polyposis 1. Last evaluated: 2023-07-28. Review status: criteria provided, single submitter. Criteria: Invitae Variant Classification Sherloc (09022015). Collection method: clinical testing. Allele origin: germline.
Comment: For these reasons, this variant has been classified as Pathogenic. A different truncation (p.Tyr2645Lysfs*14) that lies downstream of this variant has been determined to be pathogenic (PMID: 9824584, 1316610, 27081525, 8381579, 22135120, Invitae). This suggests that deletion of this region of the APC protein is causative of disease. This variant is expected to disrupt the EB1 and HDLG binding sites, which mediate interactions with the cytoskeleton (PMID: 15311282, 17293347). While functional studies have not been performed to directly test the effect on APC protein function, this suggests that disruption of the C-terminal portion of the protein is functionally important. This variant has not been reported in the literature in individuals affected with APC-related conditions. This variant is not present in population databases (gnomAD no frequency). This sequence change creates a premature translational stop signal (p.Asn1953Ilefs*17) in the APC gene. While this is not anticipated to result in nonsense mediated decay, it is expected to disrupt the last 891 amino acid(s) of the APC protein.

Literature cited by the submitters: PubMed 9824584; PubMed 1316610; PubMed 27081525; PubMed 8381579; PubMed 22135120; PubMed 15311282; PubMed 17293347.